The following is an entry in ClinVar:

ClinVar aggregate classification (germline): Uncertain significance (1 of 4 stars; one submission).

Conditions:
Bardet-Biedl syndrome (BBS). Identifiers: Orphanet 110, MedGen C0752166, MONDO:0015229.

Allele frequency attached by ClinVar (database versions not stated): TOPMed below 0.00001; gnomAD 0.00001; gnomAD exomes 0.00001.
gnomAD v4.1: 5 of 1,571,396 alleles (0.00032%); highest among the groups gnomAD compares: Non-Finnish European, 0.00043%; no homozygotes.

Submission:

Labcorp Genetics (formerly Invitae), Labcorp
Classification: Uncertain significance for Bardet-Biedl syndrome. Last evaluated: 2023-05-22. Review status: criteria provided, single submitter. Criteria: Invitae Variant Classification Sherloc (09022015). Collection method: clinical testing. Allele origin: germline.
Comment: In summary, the available evidence is currently insufficient to determine the role of this variant in disease. Therefore, it has been classified as a Variant of Uncertain Significance. An algorithm developed to predict the effect of missense changes on protein structure and function (PolyPhen-2) suggests that this variant is likely to be tolerated. ClinVar contains an entry for this variant (Variation ID: 1036667). This variant has not been reported in the literature in individuals affected with WDPCP-related conditions. This variant is present in population databases (no rsID available, gnomAD 0.003%). This sequence change replaces serine, which is neutral and polar, with alanine, which is neutral and non-polar, at codon 85 of the WDPCP protein (p.Ser85Ala).

NM_015910.7(WDPCP):c.253T>G (p.Ser85Ala)

Gene: WDPCP (WD repeat containing planar cell polarity effector; minus strand). Cytogenetic location: 2p15.
Variant type: single nucleotide variant.
Coding change: c.253T>G on transcript NM_015910.7 (MANE Select); coding-DNA position 253, T replaced by G.
Protein change: p.Ser85Ala; replaces serine 85 with alanine.
Molecular consequence: missense variant. On other transcripts: non-coding transcript variant (2).
Genome position (GRCh38, 1-based): chr2:63,486,542, A>C on the plus strand (T>G on the coding strand, the complement: WDPCP is on the minus strand). VCF-style: chr2-63486542-A-C. GRCh37 (hg19) VCF-style: chr2-63713676-A-C.
Other names: c.181T>G, p.Ser61Ala (NM_001354044.2); c.253T>G, p.Ser85Ala (NM_001354045.2); short protein forms S85A, S61A.
Identifiers: ClinVar variation 1036667 (VCV001036667.8), dbSNP rs866240226, ClinGen allele CA49242094.
Genomic context (GRCh38, chr2:63,486,542, plus strand): 5'-TTTTATAATACTGAACTTTACAGTTTTATAATAATTCCAAAAAATATAAAGTAAGCTTAC[A>C]CTCTGCCAGCTTCTGCTTCTTTTCTAAGTTACCATGCTCTGTCGCTGATATTGTGGCAGA-3'
Protein context (NP_056994.3, residues 75-95): NLEKKQKLAE[Ser85Ala]RDYPWTLKNR